The following is an entry in ClinVar:

NM_145331.3(MAP3K7):c.499G>A (p.Gly167Arg)

Gene: MAP3K7 (mitogen-activated protein kinase kinase kinase 7; minus strand). Cytogenetic location: 6q15.
Variant type: single nucleotide variant.
Coding change: c.499G>A on transcript NM_145331.3 (MANE Select); coding-DNA position 499, G replaced by A.
Protein change: p.Gly167Arg; replaces glycine 167 with arginine.
Molecular consequence: missense variant.
Genome position (GRCh38, 1-based): chr6:90,556,608, C>T on the plus strand (G>A on the coding strand, the complement: MAP3K7 is on the minus strand). VCF-style: chr6-90556608-C-T. GRCh37 (hg19) VCF-style: chr6-91266327-C-T.
Other names: c.499G>A, p.Gly167Arg (NM_145333.3, NM_003188.4, NM_145332.3); short protein forms G167R.
Identifiers: ClinVar variation 2704404 (VCV002704404.3), dbSNP rs943102765, ClinGen allele CA365014030.

ClinVar aggregate classification (germline): Uncertain significance (1 of 4 stars; one submission).

gnomAD v4.1: 1 of 1,607,948 alleles (0.000062%); highest among the groups gnomAD compares: Non-Finnish European, 0.000085%; no homozygotes.

Submission:

Labcorp Genetics (formerly Invitae), Labcorp
Classification: Uncertain significance. Last evaluated: 2025-09-11. Review status: criteria provided, single submitter. Criteria: Invitae Variant Classification Sherloc (09022015). Collection method: clinical testing. Allele origin: germline.
Comment: This sequence change replaces glycine, which is neutral and non-polar, with arginine, which is basic and polar, at codon 167 of the MAP3K7 protein (p.Gly167Arg). This variant is not present in population databases (gnomAD no frequency). This variant has not been reported in the literature in individuals affected with MAP3K7-related conditions. ClinVar contains an entry for this variant (Variation ID: 2704404). An algorithm developed to predict the effect of missense changes on protein structure and function (PolyPhen-2) suggests that this variant is likely to be disruptive. In summary, the available evidence is currently insufficient to determine the role of this variant in disease. Therefore, it has been classified as a Variant of Uncertain Significance.